The following is an entry in ClinVar:

NM_003873.7(NRP1):c.2628G>C (p.Gly876=)

Gene: NRP1 (neuropilin 1; minus strand). Cytogenetic location: 10p11.22.
Variant type: single nucleotide variant.
Coding change: c.2628G>C on transcript NM_003873.7 (MANE Select); coding-DNA position 2628, G replaced by C.
Protein change: p.Gly876=; no amino-acid change (glycine 876 retained).
Molecular consequence: synonymous variant. On other transcripts: non-coding transcript variant (1).
Genome position (GRCh38, 1-based): chr10:33,180,220, C>G on the plus strand (G>C on the coding strand, the complement: NRP1 is on the minus strand). VCF-style: chr10-33180220-C-G. GRCh37 (hg19) VCF-style: chr10-33469148-C-G.
Other names: c.2610G>C, p.Gly870= (NM_001244972.2); c.2607G>C, p.Gly869= (NM_001244973.2); c.2577G>C, p.Gly859= (NM_001330068.2).
Identifiers: ClinVar variation 4993588 (VCV004993588.1).

ClinVar aggregate classification (germline): Likely benign (1 of 4 stars; one submission).

Conditions:
NRP1-related disorder. Also called: NRP1-related condition.

Submission:

PreventionGenetics, part of Exact Sciences
Classification: Likely benign for NRP1-related condition. Last evaluated: 2026-08-12. Review status: criteria provided, single submitter. Criteria: ACMG Guidelines, 2015. Collection method: clinical testing. Allele origin: germline.
Comment: This variant is classified as likely benign based on ACMG/AMP sequence variant interpretation guidelines (Richards et al. 2015 PMID: 25741868, with internal and published modifications).